The following is an entry in ClinVar:

ClinVar aggregate classification (germline): Uncertain significance (1 of 4 stars; one submission).

Conditions:
LRRC45-related disorder. Also called: LRRC45-related condition.

gnomAD v4.1: 12 of 1,607,080 alleles (0.00075%); highest among the groups gnomAD compares: Admixed American, 0.015%; no homozygotes.

Submission:

PreventionGenetics, part of Exact Sciences
Classification: Uncertain significance for LRRC45-related condition. Last evaluated: 2025-04-24. Review status: criteria provided, single submitter. Criteria: ACMG Guidelines, 2015. Collection method: clinical testing. Allele origin: germline.
Comment: The LRRC45 c.940C>G variant is predicted to result in the amino acid substitution p.Leu314Val. To our knowledge, this variant has not been reported in the literature. This variant is reported in 0.027% of alleles in individuals of Latino descent in gnomAD. At this time, the clinical significance of this variant is uncertain due to the absence of conclusive functional and genetic evidence.

NM_144999.4(LRRC45):c.940C>G (p.Leu314Val)

Gene: LRRC45 (leucine rich repeat containing 45; plus strand). Cytogenetic location: 17q25.3.
Variant type: single nucleotide variant.
Coding change: c.940C>G on transcript NM_144999.4 (MANE Select); coding-DNA position 940, C replaced by G.
Protein change: p.Leu314Val; replaces leucine 314 with valine.
Molecular consequence: missense variant.
Genome position (GRCh38, 1-based): chr17:82,028,039, C>G. VCF-style: chr17-82028039-C-G. GRCh37 (hg19) VCF-style: chr17-79985915-C-G.
Other names: short protein forms L314V.
Identifiers: ClinVar variation 4985899 (VCV004985899.1).